The following is an entry in ClinVar:

NM_001127222.2(CACNA1A):c.3727C>T (p.Arg1243Cys)

Gene: CACNA1A (calcium voltage-gated channel subunit alpha1 A; minus strand). Cytogenetic location: 19p13.13.
Variant type: single nucleotide variant.
Coding change: c.3727C>T on transcript NM_001127222.2 (MANE Select); coding-DNA position 3727, C replaced by T.
Protein change: p.Arg1243Cys; replaces arginine 1243 with cysteine.
Molecular consequence: missense variant.
Genome position (GRCh38, 1-based): chr19:13,283,362, G>A on the plus strand (C>T on the coding strand, the complement: CACNA1A is on the minus strand). VCF-style: chr19-13283362-G-A. GRCh37 (hg19) VCF-style: chr19-13394176-G-A.
Other names: c.3739C>T, p.Arg1247Cys (NM_000068.4, NM_023035.3); c.3730C>T, p.Arg1244Cys (NM_001127221.2, NM_001174080.2); short protein forms R1244C, R1243C, R1247C.
Identifiers: ClinVar variation 393165 (VCV000393165.2), dbSNP rs1057524818, ClinGen allele CA16608148.

ClinVar aggregate classification (germline): Uncertain significance (1 of 4 stars; one submission).

Allele frequency attached by ClinVar (database versions not stated): gnomAD exomes below 0.00001; TOPMed below 0.00001.
gnomAD v4.1: 3 of 1,613,964 alleles (0.00019%); highest among the groups gnomAD compares: Non-Finnish European, 0.00025%; no homozygotes.

Submission:

GeneDx
Classification: Uncertain significance. Last evaluated: 2017-01-30. Review status: criteria provided, single submitter. Criteria: GeneDx Variant Classification (06012015). Collection method: clinical testing. Allele origin: germline. Affected: yes.
Comment: The R1244C variant in the CACNA1A gene has not been reported previously as a pathogenic variant, nor as a benign variant, to our knowledge. The R1244C variant is not observed in large population cohorts (Lek et al., 2016; 1000 Genomes Consortium et al., 2015; Exome Variant Server). The R1244C variant is a non-conservative amino acid substitution, which is likely to impact secondary protein structure as these residues differ in polarity, charge, size and/or other properties. This substitution occurs at a position where amino acids with similar properties to Arginine are tolerated across species. In silico analysis predicts this variant is probably damaging to the protein structure/function. We interpret R1244C as a variant of uncertain significance.